The following is an entry in ClinVar:

NM_004104.5(FASN):c.6861_6876del (p.Tyr2288fs)

Gene: FASN (fatty acid synthase; minus strand). Cytogenetic location: 17q25.3.
Variant type: Deletion.
Coding change: c.6861_6876del on transcript NM_004104.5 (MANE Select); coding-DNA positions 6861 to 6876, 16 bases deleted (CTACTACATCGACTGC).
Protein change: p.Tyr2288fs; shifts the reading frame from tyrosine 2288.
Molecular consequence: frameshift variant.
Genome position (GRCh38, 1-based): chr17:82,080,541-82,080,556, GCAGTCGATGTAGTAG deleted on the plus strand (CTACTACATCGACTGC on the coding strand, the reverse complement: FASN is on the minus strand); deleting any 16 consecutive bases within chr17:82,080,541-82,080,560 gives the same sequence; the c. name uses the placement nearest the transcript's 3' end. VCF-style (leftmost placement, unchanged base first): chr17-82080540-TGCAGTCGATGTAGTAG-T. GRCh37 (hg19) VCF-style: chr17-80038416-TGCAGTCGATGTAGTAG-T.
Other names: short protein forms Y2288fs.
Identifiers: ClinVar variation 2633858 (VCV002633858.1), dbSNP rs2509827389, ClinGen allele CA2695200377.

ClinVar aggregate classification (germline): Uncertain significance (1 of 4 stars; one submission).

Conditions:
FASN-related disorder. Also called: FASN-related condition.

Submission:

PreventionGenetics, part of Exact Sciences
Classification: Uncertain significance for FASN-related condition. Last evaluated: 2023-03-14. Review status: criteria provided, single submitter. Criteria: ACMG Guidelines, 2015. Collection method: clinical testing. Allele origin: germline.
Comment: The FASN c.6861_6876del16 variant is predicted to result in a frameshift and premature protein termination (p.Tyr2288Serfs*63). To our knowledge, this variant has not been reported in the literature or in a large population database, indicating this variant is rare. The gnomAD variant constraint data suggest that premature termination variants in FASN are not tolerated, but variants of this type have not been shown to cause disease. At this time, the clinical significance of this variant is uncertain due to the absence of conclusive functional and genetic evidence.